The following is an entry in ClinVar:

NM_016010.3(ZC2HC1A):c.459A>G (p.Lys153=)

Genes: IL7 (interleukin 7; minus strand), ZC2HC1A (zinc finger C2HC-type containing 1A; plus strand). Cytogenetic location: 8q21.13.
Variant type: single nucleotide variant.
Coding change: c.459A>G on transcript NM_016010.3 (MANE Select); coding-DNA position 459, A replaced by G.
Protein change: p.Lys153=; no amino-acid change (lysine 153 retained).
Molecular consequence: synonymous variant. On other transcripts: non-coding transcript variant (1).
Genome position (GRCh38, 1-based): chr8:78,689,328, A>G. VCF-style: chr8-78689328-A-G. GRCh37 (hg19) VCF-style: chr8-79601563-A-G.
Other names: c.459A>G, p.Lys153= (NM_001362969.2).
Identifiers: ClinVar variation 3387874 (VCV003387874.14).

ClinVar aggregate classification (germline): Likely benign (1 of 4 stars; one submission).

gnomAD v4.1: 856 of 1,603,634 alleles (0.053%); highest among the groups gnomAD compares: Non-Finnish European, 0.065%; 1 homozygote.

Submission:

CeGaT Center for Human Genetics Tuebingen
Classification: Likely benign. Last evaluated: 2024-09-01. Review status: criteria provided, single submitter. Criteria: CeGaT Center For Human Genetics Tuebingen Variant Classification Criteria Version 2. Collection method: clinical testing. Allele origin: germline. Affected: yes. Observed: 1 variant allele.
Comment: ZC2HC1A: BP4, BP7